The following is an entry in ClinVar:

NM_004260.4(RECQL4):c.1570C>T (p.Pro524Ser)

Gene: RECQL4 (RecQ like helicase 4; minus strand). Cytogenetic location: 8q24.3.
Variant type: single nucleotide variant.
Coding change: c.1570C>T on transcript NM_004260.4 (MANE Select); coding-DNA position 1570, C replaced by T.
Protein change: p.Pro524Ser; replaces proline 524 with serine.
Molecular consequence: missense variant.
Genome position (GRCh38, 1-based): chr8:144,514,986, G>A on the plus strand (C>T on the coding strand, the complement: RECQL4 is on the minus strand). VCF-style: chr8-144514986-G-A. GRCh37 (hg19) VCF-style: chr8-145740370-G-A.
Other names: p.Pro524Ser; short protein forms P524S.
Identifiers: ClinVar variation 288908 (VCV000288908.22), dbSNP rs374965803, ClinGen allele CA4948797.

ClinVar aggregate classification (germline): Conflicting classifications of pathogenicity. Review status: criteria provided, conflicting classifications (1 of 4 stars). 10 submissions from 10 submitters: Uncertain significance (8); Likely benign (1). 1 of the submissions does not count toward it. Last evaluated 2026-10-01.

Conditions:
Rothmund-Thomson syndrome (RTS). Also called: Poikiloderma Congenitale; Poikiloderma of Rothmund-Thomson. Identifiers: Orphanet 2909, MedGen C0032339, MONDO:0010002.
Rapadilino syndrome. Identifiers: Orphanet 3021, MedGen C1849453, MONDO:0009955, OMIM 266280.
Baller-Gerold syndrome (BGS). Also called: CRANIOSYNOSTOSIS WITH RADIAL DEFECTS. Identifiers: Orphanet 1225, MedGen C0265308, MONDO:0009039, OMIM 218600.
RECQL4-related disorder. Also called: RECQL4-related condition; RECQL4-related disorders.
Rothmund-Thomson syndrome type 2 (RTS2). Identifiers: Orphanet 221016, MedGen C5203410, MONDO:0016369, OMIM 268400.
Inborn genetic diseases. Identifiers: MedGen C0950123, MeSH D030342.

Allele frequency attached by ClinVar (database versions not stated): ESP Exome Variant Server 0.00016; gnomAD 0.00003 and 0.00004; ExAC 0.00005; gnomAD exomes 0.00005 and 0.00007; TOPMed 0.00005.
gnomAD v4.1: 108 of 1,611,510 alleles (0.0067%); highest among the groups gnomAD compares: Middle Eastern, 0.75%; 1 homozygote.

Submissions (10):

St. Jude Molecular Pathology, St. Jude Children's Research Hospital
Classification: Uncertain significance for Rothmund-Thomson syndrome type 2. Last evaluated: 2026-10-01. Review status: criteria provided, single submitter. Criteria: St. Jude Assertion Criteria 2020. Collection method: clinical testing. Allele origin: germline.
Comment: The RECQL4 c.1570C>T p.(Pro524Ser) missense change has a maximum subpopulation frequency of 0.009% in gnomAD v2.1.1. In silico tools are inconclusive about a pathogenic or benign effect of this variant on protein function, and to our knowledge functional studies have not been performed. To our knowledge, this variant has not been reported in individuals with RECQL4-associated conditions. In summary, the evidence currently available is insufficient to determine the clinical significance of this variant. It has therefore been classified as of uncertain significance.

Mayo Clinic Laboratories, Mayo Clinic
Classification: Likely benign. Last evaluated: 2025-10-23. Review status: criteria provided, single submitter. Criteria: ACMG Guidelines, 2015. Collection method: clinical testing. Allele origin: germline. Observed: 2 variant alleles.
Comment: BS2_supporting, BP4

Labcorp Genetics (formerly Invitae), Labcorp
Classification: Uncertain significance for Baller-Gerold syndrome. Last evaluated: 2025-09-08. Review status: criteria provided, single submitter. Criteria: Invitae Variant Classification Sherloc (09022015). Collection method: clinical testing. Allele origin: germline.
Comment: This sequence change replaces proline, which is neutral and non-polar, with serine, which is neutral and polar, at codon 524 of the RECQL4 protein (p.Pro524Ser). This variant is present in population databases (rs374965803, gnomAD 0.008%). This variant has not been reported in the literature in individuals affected with RECQL4-related conditions. ClinVar contains an entry for this variant (Variation ID: 288908). Invitae Evidence Modeling of protein sequence and biophysical properties (such as structural, functional, and spatial information, amino acid conservation, physicochemical variation, residue mobility, and thermodynamic stability) indicates that this missense variant is not expected to disrupt RECQL4 protein function with a negative predictive value of 80%. In summary, the available evidence is currently insufficient to determine the role of this variant in disease. Therefore, it has been classified as a Variant of Uncertain Significance.

Blueprint Genetics
Classification: Uncertain significance. Last evaluated: 2024-11-12. Review status: criteria provided, single submitter. Criteria: ACMG Guidelines, 2015. Collection method: clinical testing. Allele origin: germline.

Revvity Omics, Revvity
Classification: Uncertain significance. Last evaluated: 2024-09-09. Review status: criteria provided, single submitter. Criteria: ACMG Guidelines, 2015. Collection method: clinical testing. Allele origin: germline.

Ambry Genetics
Classification: Uncertain significance for Inborn genetic diseases. Last evaluated: 2022-08-30. Review status: criteria provided, single submitter. Criteria: Ambry Variant Classification Scheme 2023. Collection method: clinical testing. Allele origin: germline.

Fulgent Genetics
Classification: Uncertain significance for Baller-Gerold syndrome; Rapadilino syndrome; Rothmund-Thomson syndrome type 2. Last evaluated: 2018-10-31. Review status: criteria provided, single submitter. Criteria: ACMG Guidelines, 2015. Collection method: clinical testing. Allele origin: unknown.

Eurofins Ntd Llc (ga)
Classification: Uncertain significance. Last evaluated: 2017-04-18. Review status: criteria provided, single submitter. Criteria: EGL Classification Definitions 2015. Collection method: clinical testing. Allele origin: germline. Observed: 3 variant alleles, 2 heterozygotes, 1 homozygote.

Breakthrough Genomics
Classification: Uncertain significance. Review status: criteria provided, single submitter. Criteria: ACMG Guidelines, 2015. Collection method: not provided. Allele origin: germline. Inheritance: Autosomal recessive inheritance. Affected: yes.

PreventionGenetics, part of Exact Sciences
Classification: Uncertain significance for RECQL4-related condition. Last evaluated: 2024-06-01. Review status: no assertion criteria provided. Collection method: clinical testing. Allele origin: germline. Not counted in ClinVar's aggregate classification.
Comment: The RECQL4 c.1570C>T variant is predicted to result in the amino acid substitution p.Pro524Ser. To our knowledge, this variant has not been reported in the literature. This variant is reported in 0.0091% of alleles in individuals of European (Non-Finnish) descent in gnomAD. At this time, the clinical significance of this variant is uncertain due to the absence of conclusive functional and genetic evidence.